The following is an entry in ClinVar:

ClinVar aggregate classification (germline): Likely benign. Review status: criteria provided, multiple submitters, no conflicts (2 of 4 stars). 2 submissions from 2 submitters: Likely benign (2). Last evaluated 2026-09-01.

gnomAD v4.1: 1,274 of 1,613,560 alleles (0.079%); highest among the groups gnomAD compares: Non-Finnish European, 0.082%; 3 homozygotes.

Submissions (2):

CeGaT Center for Human Genetics Tuebingen
Classification: Likely benign. Last evaluated: 2026-09-01. Review status: criteria provided, single submitter. Criteria: CeGaT Center For Human Genetics Tuebingen Variant Classification Criteria Version 2. Collection method: clinical testing. Allele origin: germline. Affected: yes. Observed: 1 variant allele.
Comment: CELF2: BP4, BP7

Blueprint Genetics
Classification: Likely benign. Last evaluated: 2024-05-03. Review status: criteria provided, single submitter. Criteria: ACMG Guidelines, 2015. Collection method: clinical testing. Allele origin: germline.

NM_001326342.2(CELF2):c.969G>A (p.Thr323=)

Gene: CELF2 (CUGBP Elav-like family member 2; plus strand). Cytogenetic location: 10p14.
Variant type: single nucleotide variant.
Coding change: c.969G>A on transcript NM_001326342.2 (MANE Select); coding-DNA position 969, G replaced by A.
Protein change: p.Thr323=; no amino-acid change (threonine 323 retained).
Molecular consequence: synonymous variant.
Genome position (GRCh38, 1-based): chr10:11,288,545, G>A. VCF-style: chr10-11288545-G-A. GRCh37 (hg19) VCF-style: chr10-11330508-G-A.
Other names: c.876G>A, p.Thr292= (NM_001025076.2, NM_001083591.1, NM_001326317.2 and 15 more transcripts); c.948G>A, p.Thr316= (NM_001025077.3, NM_001326331.2, NM_001326332.2 and 4 more transcripts); c.1041G>A, p.Thr347= (NM_001326325.2); c.984G>A, p.Thr328= (NM_001326326.2, NM_001326327.2); c.264G>A, p.Thr88= (NM_001326333.2, NM_001326346.2); c.615G>A, p.Thr205= (NM_001326338.2, NM_001326339.2); c.969G>A, p.Thr323= (NM_001326340.2, NM_001326341.2, NM_001326343.2 and 4 more transcripts); c.900G>A, p.Thr300= (NM_001326347.1).
Identifiers: ClinVar variation 4906529 (VCV004906529.2).